The following is an entry in ClinVar:

ClinVar aggregate classification (germline): Likely benign (1 of 4 stars; one submission).

Allele frequency attached by ClinVar (database versions not stated): gnomAD exomes 0.00056; gnomAD 0.00563 and 0.00597; TOPMed 0.00622; 1000 Genomes Project 0.00819; 1000 Genomes Project 30x 0.00843.
gnomAD v4.1: 1,509 of 1,308,260 alleles (0.12%); highest among the groups gnomAD compares: African/African-American, 2%; 19 homozygotes.

Submission:

GeneDx
Classification: Likely benign. Last evaluated: 2021-12-01. Review status: criteria provided, single submitter. Criteria: GeneDx Variant Classification Process June 2021. Collection method: clinical testing. Allele origin: germline. Affected: yes.
Comment: See Variant Classification Assertion Criteria.

NM_006348.5(COG5):c.293-77T>C

Gene: COG5 (component of oligomeric golgi complex 5; minus strand). Cytogenetic location: 7q22.3.
Variant type: single nucleotide variant.
Coding change: c.293-77T>C on transcript NM_006348.5 (MANE Select); 77 bases into the intron before coding-DNA position 293, T replaced by C.
Molecular consequence: intron variant.
Genome position (GRCh38, 1-based): chr7:107,548,409, A>G on the plus strand (T>C on the coding strand, the complement: COG5 is on the minus strand). VCF-style: chr7-107548409-A-G. GRCh37 (hg19) VCF-style: chr7-107188854-A-G.
Other names: c.234+9567T>C (NM_001379516.1); c.293-77T>C (NM_001379515.1, NM_001379511.1, NM_001379512.1 and 4 more transcripts).
Identifiers: ClinVar variation 1691152 (VCV001691152.2), dbSNP rs79167883, ClinGen allele CA164162310.